The following is an entry in ClinVar:

ClinVar aggregate classification (germline): Uncertain significance (1 of 4 stars; one submission).

Conditions:
Cataract 9 multiple types. Also called: Cataract 9, multiple types, with or without microcornea; Cataract, autosomal recessive congenital 1. Identifiers: Orphanet 1377, MedGen C1858679, MONDO:0011413, OMIM 604219.

Submission:

Labcorp Genetics (formerly Invitae), Labcorp
Classification: Uncertain significance for Cataract 9 multiple types. Last evaluated: 2022-06-10. Review status: criteria provided, single submitter. Criteria: Invitae Variant Classification Sherloc (09022015). Collection method: clinical testing. Allele origin: germline.
Comment: This variant has not been reported in the literature in individuals affected with CRYAA-related conditions. In summary, the available evidence is currently insufficient to determine the role of this variant in disease. Therefore, it has been classified as a Variant of Uncertain Significance. Algorithms developed to predict the effect of missense changes on protein structure and function output the following: SIFT: "Deleterious"; PolyPhen-2: "Benign"; Align-GVGD: "Class C0". The leucine amino acid residue is found in multiple mammalian species, which suggests that this missense change does not adversely affect protein function. This variant is present in population databases (no rsID available, gnomAD 0.002%). This sequence change replaces serine, which is neutral and polar, with leucine, which is neutral and non-polar, at codon 169 of the CRYAA protein (p.Ser169Leu).

NM_000394.4(CRYAA):c.506C>T (p.Ser169Leu)

Gene: CRYAA (crystallin alpha A; plus strand). Cytogenetic location: 21q22.3.
Variant type: single nucleotide variant.
Coding change: c.506C>T on transcript NM_000394.4 (MANE Select); coding-DNA position 506, C replaced by T.
Protein change: p.Ser169Leu; replaces serine 169 with leucine.
Molecular consequence: missense variant.
Genome position (GRCh38, 1-based): chr21:43,172,264, C>T. VCF-style: chr21-43172264-C-T. GRCh37 (hg19) VCF-style: chr21-44592374-C-T.
Other names: c.395C>T, p.Ser132Leu (NM_001363766.1); short protein forms S169L, S132L.
Identifiers: ClinVar variation 2195346 (VCV002195346.4), dbSNP rs1329899254, ClinGen allele CA410606115.